The following is an entry in ClinVar:

ClinVar aggregate classification (germline): Uncertain significance. Review status: criteria provided, multiple submitters, no conflicts (2 of 4 stars). 2 submissions from 2 submitters: Uncertain significance (2). Last evaluated 2025-08-20.

Conditions:
Hereditary nonpolyposis colorectal neoplasms. Identifiers: MedGen C0009405, MeSH D003123.
Hereditary cancer-predisposing syndrome. Also called: Hereditary Cancer Syndrome; Neoplastic Syndromes, Hereditary; Tumor predisposition; Hereditary neoplastic syndrome. Identifiers: Orphanet 140162, MedGen C0027672, MeSH D009386, MONDO:0015356.

Submissions (2):

Ambry Genetics
Classification: Uncertain significance for Hereditary cancer-predisposing syndrome. Last evaluated: 2025-08-20. Review status: criteria provided, single submitter. Criteria: Ambry Variant Classification Scheme 2023. Collection method: clinical testing. Allele origin: germline.
Comment: The p.A64E variant (also known as c.191C>A), located in coding exon 1 of the MSH6 gene, results from a C to A substitution at nucleotide position 191. The alanine at codon 64 is replaced by glutamic acid, an amino acid with dissimilar properties. This amino acid position is not well conserved in available vertebrate species. In addition, this alteration is predicted to be tolerated by in silico analysis. Based on the available evidence, the clinical significance of this variant remains unclear.

Labcorp Genetics (formerly Invitae), Labcorp
Classification: Uncertain significance for Hereditary nonpolyposis colorectal neoplasms. Last evaluated: 2023-11-11. Review status: criteria provided, single submitter. Criteria: Invitae Variant Classification Sherloc (09022015). Collection method: clinical testing. Allele origin: germline.
Comment: This sequence change replaces alanine, which is neutral and non-polar, with glutamic acid, which is acidic and polar, at codon 64 of the MSH6 protein (p.Ala64Glu). This variant is not present in population databases (gnomAD no frequency). This variant has not been reported in the literature in individuals affected with MSH6-related conditions. ClinVar contains an entry for this variant (Variation ID: 480928). Advanced modeling of protein sequence and biophysical properties (such as structural, functional, and spatial information, amino acid conservation, physicochemical variation, residue mobility, and thermodynamic stability) performed at Invitae indicates that this missense variant is not expected to disrupt MSH6 protein function with a negative predictive value of 95%. In summary, the available evidence is currently insufficient to determine the role of this variant in disease. Therefore, it has been classified as a Variant of Uncertain Significance.

NM_000179.3(MSH6):c.191C>A (p.Ala64Glu)

Gene: MSH6 (mutS homolog 6; plus strand). Cytogenetic location: 2p16.3.
Variant type: single nucleotide variant.
Coding change: c.191C>A on transcript NM_000179.3 (MANE Select); coding-DNA position 191, C replaced by A.
Protein change: p.Ala64Glu; replaces alanine 64 with glutamic acid.
Molecular consequence: missense variant. On other transcripts: 5 prime UTR variant (1).
Genome position (GRCh38, 1-based): chr2:47,783,424, C>A. VCF-style: chr2-47783424-C-A. GRCh37 (hg19) VCF-style: chr2-48010563-C-A.
Other names: c.191C>A, p.Ala64Glu (NM_001281492.2); c.-546C>A (NM_001281493.2); short protein forms A64E.
Identifiers: ClinVar variation 480928 (VCV000480928.9), dbSNP rs1553408348, ClinGen allele CA346735026.